The following is an entry in ClinVar:

NM_006231.4(POLE):c.4251G>C (p.Glu1417Asp)

Gene: POLE (DNA polymerase epsilon, catalytic subunit; minus strand). Cytogenetic location: 12q24.33.
Variant type: single nucleotide variant.
Coding change: c.4251G>C on transcript NM_006231.4 (MANE Select); coding-DNA position 4251, G replaced by C.
Protein change: p.Glu1417Asp; replaces glutamic acid 1417 with aspartic acid.
Molecular consequence: missense variant.
Genome position (GRCh38, 1-based): chr12:132,643,876, C>G on the plus strand (G>C on the coding strand, the complement: POLE is on the minus strand). VCF-style: chr12-132643876-C-G. GRCh37 (hg19) VCF-style: chr12-133220462-C-G.
Other names: short protein forms E1417D.
Identifiers: ClinVar variation 4141163 (VCV004141163.1).

ClinVar aggregate classification (germline): Uncertain significance (1 of 4 stars; one submission).

Conditions:
Hereditary cancer-predisposing syndrome. Also called: Hereditary neoplastic syndrome; Neoplastic Syndromes, Hereditary; Tumor predisposition; Hereditary Cancer Syndrome. Identifiers: Orphanet 140162, MedGen C0027672, MeSH D009386, MONDO:0015356.

Submission:

Ambry Genetics
Classification: Uncertain significance for Hereditary cancer-predisposing syndrome. Last evaluated: 2025-07-16. Review status: criteria provided, single submitter. Criteria: Ambry Variant Classification Scheme 2023. Collection method: clinical testing. Allele origin: germline.
Comment: The p.E1417D variant (also known as c.4251G>C), located in coding exon 33 of the POLE gene, results from a G to C substitution at nucleotide position 4251. The glutamic acid at codon 1417 is replaced by aspartic acid, an amino acid with highly similar properties. This amino acid position is conserved. In addition, this alteration is predicted to be tolerated by in silico analysis. Based on the available evidence, the clinical significance of this variant remains unclear.